The following is an entry in ClinVar:

ClinVar aggregate classification (germline): Uncertain significance (1 of 4 stars; one submission).

Submission:

Labcorp Genetics (formerly Invitae), Labcorp
Classification: Uncertain significance. Last evaluated: 2023-06-10. Review status: criteria provided, single submitter. Criteria: Invitae Variant Classification Sherloc (09022015). Collection method: clinical testing. Allele origin: germline.
Comment: In summary, the available evidence is currently insufficient to determine the role of this variant in disease. Therefore, it has been classified as a Variant of Uncertain Significance. Advanced modeling of protein sequence and biophysical properties (such as structural, functional, and spatial information, amino acid conservation, physicochemical variation, residue mobility, and thermodynamic stability) performed at Invitae indicates that this missense variant is not expected to disrupt TCF3 protein function. This variant has not been reported in the literature in individuals affected with TCF3-related conditions. This variant is not present in population databases (gnomAD no frequency). This sequence change replaces glycine, which is neutral and non-polar, with glutamic acid, which is acidic and polar, at codon 373 of the TCF3 protein (p.Gly373Glu).

NM_003200.5(TCF3):c.1118G>A (p.Gly373Glu)

Gene: TCF3 (transcription factor 3; minus strand). Cytogenetic location: 19p13.3.
Variant type: single nucleotide variant.
Coding change: c.1118G>A on transcript NM_003200.5 (MANE Select); coding-DNA position 1118, G replaced by A.
Protein change: p.Gly373Glu; replaces glycine 373 with glutamic acid.
Molecular consequence: missense variant.
Genome position (GRCh38, 1-based): chr19:1,619,829, C>T on the plus strand (G>A on the coding strand, the complement: TCF3 is on the minus strand). VCF-style: chr19-1619829-C-T. GRCh37 (hg19) VCF-style: chr19-1619828-C-T.
Other names: c.1118G>A, p.Gly373Glu (NM_001136139.4, NM_001351778.2, NM_001351779.2); short protein forms G373E.
Identifiers: ClinVar variation 2871180 (VCV002871180.3), dbSNP rs2513526683, ClinGen allele CA403053795.
Genomic context (GRCh38, chr19:1,619,829, plus strand): 5'-CAGGCACTCACCAGGCCGTGGAGACCCCCGTCGTAGCTGGGCGATAAGGCACCGGGGGCT[C>T]CTGCTCGAGGCCACTGTGACGTTCCTGGAAGGGAGTGGGGACGTGAATGGGGTGCGAGGG-3'
Protein context (NP_003191.1, residues 363-383): LAGTSQWPRA[Gly373Glu]APGALSPSYD